The following is an entry in ClinVar:

ClinVar aggregate classification (germline): Uncertain significance. Review status: criteria provided, multiple submitters, no conflicts (2 of 4 stars). 2 submissions from 2 submitters: Uncertain significance (2). Last evaluated 2025-10-06.

Conditions:
Emery-Dreifuss muscular dystrophy 5, autosomal dominant (EDMD5). Also called: EMERY-DREIFUSS MUSCULAR DYSTROPHY 5. Identifiers: Orphanet 261, MedGen C2751805, MONDO:0013072, OMIM 612999.

Allele frequency attached by ClinVar (database versions not stated): ExAC 0.00001; gnomAD 0.00001; gnomAD exomes 0.00001; TOPMed 0.00002.
gnomAD v4.1: 17 of 1,613,972 alleles (0.0011%); highest among the groups gnomAD compares: Admixed American, 0.005%; no homozygotes.

Submissions (2):

Labcorp Genetics (formerly Invitae), Labcorp
Classification: Uncertain significance for Emery-Dreifuss muscular dystrophy 5, autosomal dominant. Last evaluated: 2025-10-06. Review status: criteria provided, single submitter. Criteria: Invitae Variant Classification Sherloc (09022015). Collection method: clinical testing. Allele origin: germline.
Comment: This sequence change replaces glutamic acid, which is acidic and polar, with lysine, which is basic and polar, at codon 2033 of the SYNE2 protein (p.Glu2033Lys). This variant is present in population databases (rs765119308, gnomAD 0.006%). This variant has not been reported in the literature in individuals affected with SYNE2-related conditions. ClinVar contains an entry for this variant (Variation ID: 2095944). An algorithm developed to predict the effect of missense changes on protein structure and function (PolyPhen-2) suggests that this variant is likely to be disruptive. In summary, the available evidence is currently insufficient to determine the role of this variant in disease. Therefore, it has been classified as a Variant of Uncertain Significance.

Ambry Genetics
Classification: Uncertain significance. Last evaluated: 2023-02-01. Review status: criteria provided, single submitter. Criteria: Ambry Variant Classification Scheme 2023. Collection method: clinical testing. Allele origin: germline.

NM_182914.3(SYNE2):c.6097G>A (p.Glu2033Lys)

Gene: SYNE2 (spectrin repeat containing nuclear envelope protein 2; plus strand). Cytogenetic location: 14q23.2.
Variant type: single nucleotide variant.
Coding change: c.6097G>A on transcript NM_182914.3 (MANE Select); coding-DNA position 6097, G replaced by A.
Protein change: p.Glu2033Lys; replaces glutamic acid 2033 with lysine.
Molecular consequence: missense variant.
Genome position (GRCh38, 1-based): chr14:64,025,266, G>A. VCF-style: chr14-64025266-G-A. GRCh37 (hg19) VCF-style: chr14-64491984-G-A.
Other names: c.6097G>A (NM_182914.2); c.6097G>A, p.Glu2033Lys (NM_015180.6); short protein forms E2033K.
Identifiers: ClinVar variation 2095944 (VCV002095944.6), dbSNP rs765119308, ClinGen allele CA7220622.